The following is an entry in ClinVar:

NM_176824.3(BBS7):c.623T>C (p.Leu208Ser)

Gene: BBS7 (Bardet-Biedl syndrome 7; minus strand). Cytogenetic location: 4q27.
Variant type: single nucleotide variant.
Coding change: c.623T>C on transcript NM_176824.3 (MANE Select); coding-DNA position 623, T replaced by C.
Protein change: p.Leu208Ser; replaces leucine 208 with serine.
Molecular consequence: missense variant.
Genome position (GRCh38, 1-based): chr4:121,854,799, A>G on the plus strand (T>C on the coding strand, the complement: BBS7 is on the minus strand). VCF-style: chr4-121854799-A-G. GRCh37 (hg19) VCF-style: chr4-122775954-A-G.
Other names: c.623T>C, p.Leu208Ser (NM_018190.4); short protein forms L208S.
Identifiers: ClinVar variation 3822190 (VCV003822190.2).

ClinVar aggregate classification (germline): Uncertain significance. Review status: criteria provided, multiple submitters, no conflicts (2 of 4 stars). 2 submissions from 2 submitters: Uncertain significance (2). Last evaluated 2025-11-17.

Conditions:
Inborn genetic diseases. Identifiers: MedGen C0950123, MeSH D030342.
BBS7-related disorder. Also called: BBS7-related condition.

gnomAD v4.1: 6 of 1,612,284 alleles (0.00037%); highest among the groups gnomAD compares: Non-Finnish European, 0.00051%; no homozygotes.

Submissions (2):

PreventionGenetics, part of Exact Sciences
Classification: Uncertain significance for BBS7-related condition. Last evaluated: 2025-11-17. Review status: criteria provided, single submitter. Criteria: ACMG Guidelines, 2015. Collection method: clinical testing. Allele origin: germline.
Comment: The BBS7 c.623T>C variant is predicted to result in the amino acid substitution p.Leu208Ser. To our knowledge, this variant has not been reported in the literature or in a large population database (gnomAD), indicating this variant is rare. At this time, the clinical significance of this variant is uncertain due to the absence of conclusive functional and genetic evidence.

Ambry Genetics
Classification: Uncertain significance for Inborn genetic diseases. Last evaluated: 2024-12-11. Review status: criteria provided, single submitter. Criteria: Ambry Variant Classification Scheme 2023. Collection method: clinical testing. Allele origin: germline.